The following is an entry in ClinVar:

NM_002225.5(IVD):c.44G>A (p.Trp15Ter)

Gene: IVD (isovaleryl-CoA dehydrogenase; plus strand). Cytogenetic location: 15q15.1.
Variant type: single nucleotide variant.
Coding change: c.44G>A on transcript NM_002225.5 (MANE Select); coding-DNA position 44, G replaced by A.
Protein change: p.Trp15Ter; replaces tryptophan 15 with a stop codon.
Molecular consequence: nonsense. On other transcripts: 5 prime UTR variant (1), non-coding transcript variant (1).
Genome position (GRCh38, 1-based): chr15:40,405,871, G>A. VCF-style: chr15-40405871-G-A. GRCh37 (hg19) VCF-style: chr15-40698072-G-A.
Other names: c.44G>A, p.Trp15Ter (NM_001159508.3, NM_001354598.3, NM_001354599.3 and 2 more transcripts); c.-384G>A (NM_001354597.3); short protein forms W15*.
Identifiers: ClinVar variation 550517 (VCV000550517.3), dbSNP rs907414760, ClinGen allele CA391743572.

ClinVar aggregate classification (germline): Likely pathogenic. Review status: criteria provided, single submitter (1 of 4 stars). 2 submissions from 2 submitters: Likely pathogenic (1). 1 of the submissions does not count toward it. Last evaluated 2024-03-22.

Conditions:
Isovaleryl-CoA dehydrogenase deficiency (IVA). Also called: Classic Isovaleric Acidemia; ISOVALERIC ACID CoA DEHYDROGENASE DEFICIENCY; Isovaleric acidemia; IVD DEFICIENCY. Identifiers: Orphanet 33, MedGen C0268575, MONDO:0009475, OMIM 243500.

Submissions (2):

Natera, Inc.
Classification: Likely pathogenic for Isovaleryl-coa dehydrogenase deficiency. Last evaluated: 2024-03-22. Review status: criteria provided, single submitter. Criteria: Natera Variant Classification Schema (03/2026). Collection method: clinical testing. Allele origin: germline.
Comment: The c.53G>A variant in IVD is a nonsense variant predicted to introduce a stop codon at amino acid 18. This variant is expected to result in nonsense mediated decay, truncation, or a dysfunctional protein product. This variant is rare in the general population with a frequency below the threshold expected for the associated phenotype(s). Given the available evidence, this variant is classified as Likely Pathogenic.

Counsyl
Classification: Likely pathogenic for Isovaleryl-CoA dehydrogenase deficiency. Last evaluated: 2017-01-31. Review status: no assertion criteria provided. Collection method: clinical testing. Allele origin: unknown. Not counted in ClinVar's aggregate classification.